The following is an entry in ClinVar:

NM_006904.7(PRKDC):c.1438A>T (p.Ser480Cys)

Gene: PRKDC (protein kinase, DNA-activated, catalytic subunit; minus strand). Cytogenetic location: 8q11.21.
Variant type: single nucleotide variant.
Coding change: c.1438A>T on transcript NM_006904.7 (MANE Select); coding-DNA position 1438, A replaced by T.
Protein change: p.Ser480Cys; replaces serine 480 with cysteine.
Molecular consequence: missense variant.
Genome position (GRCh38, 1-based): chr8:47,935,741, T>A on the plus strand (A>T on the coding strand, the complement: PRKDC is on the minus strand). VCF-style: chr8-47935741-T-A. GRCh37 (hg19) VCF-style: chr8-48848301-T-A.
Other names: c.1438A>T, p.Ser480Cys (NM_001081640.2); short protein forms S480C.
Identifiers: ClinVar variation 1772645 (VCV001772645.2), dbSNP rs375429075, ClinGen allele CA4741741.

ClinVar aggregate classification (germline): Uncertain significance (1 of 4 stars; one submission).

Allele frequency attached by ClinVar (database versions not stated): gnomAD exomes 0.00001; ExAC 0.00002; gnomAD 0.00003; TOPMed 0.00004; 1000 Genomes Project 30x 0.00016; ESP Exome Variant Server 0.00017; 1000 Genomes Project 0.00020.
gnomAD v4.1: 13 of 1,613,842 alleles (0.00081%); highest among the groups gnomAD compares: African/African-American, 0.013%; no homozygotes.

Submission:

Ambry Genetics
Classification: Uncertain significance. Last evaluated: 2022-10-11. Review status: criteria provided, single submitter. Criteria: Ambry Variant Classification Scheme 2023. Collection method: clinical testing. Allele origin: germline.
Comment: The p.S480C variant (also known as c.1438A>T), located in coding exon 13 of the PRKDC gene, results from an A to T substitution at nucleotide position 1438. The serine at codon 480 is replaced by cysteine, an amino acid with dissimilar properties. This amino acid position is conserved. In addition, this alteration is predicted to be tolerated by in silico analysis. Since supporting evidence is limited at this time, the clinical significance of this alteration remains unclear.